The following is an entry in ClinVar:

NM_014714.4(IFT140):c.2934C>A (p.Tyr978Ter)

Genes: IFT140 (intraflagellar transport 140; minus strand), LOC126862260 (CDK7 strongly-dependent group 2 enhancer GRCh37_chr16:1574508-1575707; plus strand). Cytogenetic location: 16p13.3.
Variant type: single nucleotide variant.
Coding change: c.2934C>A on transcript NM_014714.4 (MANE Select); coding-DNA position 2934, C replaced by A.
Protein change: p.Tyr978Ter; replaces tyrosine 978 with a stop codon.
Molecular consequence: nonsense.
Genome position (GRCh38, 1-based): chr16:1,524,847, G>T on the plus strand (C>A on the coding strand, the complement: IFT140 is on the minus strand). VCF-style: chr16-1524847-G-T. GRCh37 (hg19) VCF-style: chr16-1574848-G-T.
Other names: short protein forms Y978*.
Identifiers: ClinVar variation 1383614 (VCV001383614.6), dbSNP rs777862012, ClinGen allele CA394226403.

ClinVar aggregate classification (germline): Pathogenic (1 of 4 stars; one submission).

Conditions:
Saldino-Mainzer syndrome (SRTD9). Also called: CONORENAL SYNDROME; Renal dysplasia, retinal pigmentary dystrophy, cerebellar ataxia and skeletal dysplasia; SHORT-RIB THORACIC DYSPLASIA 9 WITHOUT POLYDACTYLY; short-rib thoracic dysplasia 9 with or without polydactyly. Identifiers: Orphanet 140969, MedGen C1849437, MONDO:0009964, OMIM 266920.

Submission:

Labcorp Genetics (formerly Invitae), Labcorp
Classification: Pathogenic for Saldino-Mainzer syndrome. Last evaluated: 2025-09-10. Review status: criteria provided, single submitter. Criteria: Invitae Variant Classification Sherloc (09022015). Collection method: clinical testing. Allele origin: germline.
Comment: This sequence change creates a premature translational stop signal (p.Tyr978*) in the IFT140 gene. It is expected to result in an absent or disrupted protein product. Loss-of-function variants in IFT140 are known to be pathogenic (PMID: 22503633, 23418020, 24009529, 26216056). This variant is not present in population databases (gnomAD no frequency). This variant has not been reported in the literature in individuals affected with IFT140-related conditions. ClinVar contains an entry for this variant (Variation ID: 1383614). For these reasons, this variant has been classified as Pathogenic.

Literature cited by the submitters: PubMed 22503633; PubMed 23418020; PubMed 24009529; PubMed 26216056.